The following is an entry in ClinVar:

NM_006736.6(DNAJB2):c.65+1G>C

Gene: DNAJB2 (DnaJ heat shock protein family (Hsp40) member B2; plus strand). Cytogenetic location: 2q35.
Variant type: single nucleotide variant.
Coding change: c.65+1G>C on transcript NM_006736.6 (MANE Select); the canonical splice donor site of the intron after coding-DNA position 65, G replaced by C.
Molecular consequence: splice donor variant.
Genome position (GRCh38, 1-based): chr2:219,279,899, G>C. VCF-style: chr2-219279899-G-C. GRCh37 (hg19) VCF-style: chr2-220144621-G-C.
Other names: c.65+1G>C (NM_001039550.2).
Identifiers: ClinVar variation 3376836 (VCV003376836.1).
Genomic context (GRCh38, chr2:219,279,899, plus strand): 5'-ATCCTACTACGAGATCCTAGACGTGCCGCGAAGTGCGTCCGCTGATGACATCAAGAAGGC[G>C]TAAGTGCCTCCGTATGCAACAGAAGACCTCTCACCCTCCACCCGCCACCACCATGGGGCA-3'

ClinVar aggregate classification (germline): Likely pathogenic (1 of 4 stars; one submission).

Conditions:
Neuronopathy, distal hereditary motor, autosomal recessive 5. Also called: NEUROPATHY, DISTAL HEREDITARY MOTOR, AUTOSOMAL RECESSIVE 5; Spinal muscular atrophy, distal, autosomal recessive, 5; Young adult-onset distal hereditary motor neuropathy. Identifiers: Orphanet 314485, Orphanet 443950, MedGen C4749918, MONDO:0013947, OMIM 614881.

Submission:

Victorian Clinical Genetics Services, Murdoch Childrens Research Institute
Classification: Likely pathogenic for Neuronopathy, distal hereditary motor, autosomal recessive 5. Last evaluated: 2024-09-22. Review status: criteria provided, single submitter. Criteria: ACMG Guidelines, 2015. Collection method: clinical testing. Allele origin: germline. Inheritance: Autosomal recessive inheritance. Affected: yes.
Comment: Based on the classification scheme VCGS_Germline_v1.3.4, this variant is classified as Likely Pathogenic. Following criteria are met: 0102 - Loss of function is a known mechanism of disease in this gene and is associated with neuronopathy, distal hereditary motor, autosomal recessive 5 (MIM#614881). (I) 0106 - This gene is associated with autosomal recessive disease. (I) 0211 - Canonical splice site variant without proven consequence on splicing (no functional evidence available). (SP) 0252 - This variant is homozygous. (I) 0301 - Variant is absent from gnomAD (both v2 and v3). (SP) 0311 - An alternative nucleotide change at the same canonical splice site is present in gnomAD (v3) (1 heterozygote, 0 homozygotes). (I) 0505 - Abnormal splicing is predicted by in silico tools and affected nucleotide is highly conserved. (SP) 0704 - Another canonical splice site variant comparable to the one identified in this case has limited previous evidence for pathogenicity. ClinVar contains one likely pathogenic entry for c.65+1G>A. (SP) 0807 - This variant has no previous evidence of pathogenicity. (I) 0905 - No published segregation evidence has been identified for this variant. (I) 1007 - No published functional evidence has been identified for this variant. (I) 1208 - Inheritance information for this variant is not currently available in this individual. (I) Legend: (SP) - Supporting pathogenic, (I) - Information, (SB) - Supporting benign